The following is an entry in ClinVar:

NM_000138.5(FBN1):c.701G>A (p.Gly234Asp)

Gene: FBN1 (fibrillin 1; minus strand). Cytogenetic location: 15q21.1.
Variant type: single nucleotide variant.
Coding change: c.701G>A on transcript NM_000138.5 (MANE Select); coding-DNA position 701, G replaced by A.
Protein change: p.Gly234Asp; replaces glycine 234 with aspartic acid.
Molecular consequence: missense variant.
Genome position (GRCh38, 1-based): chr15:48,537,646, C>T on the plus strand (G>A on the coding strand, the complement: FBN1 is on the minus strand). VCF-style: chr15-48537646-C-T. GRCh37 (hg19) VCF-style: chr15-48829843-C-T.
Other names: short protein forms G234D.
Identifiers: ClinVar variation 527174 (VCV000527174.9), dbSNP rs1555401670, ClinGen allele CA392445853.

ClinVar aggregate classification (germline): Pathogenic. Review status: criteria provided, single submitter (1 of 4 stars). 2 submissions from 2 submitters: Pathogenic (1). 1 of the submissions does not count toward it. Last evaluated 2022-11-15.

Conditions:
Marfan syndrome (MFS). Also called: Marfan syndrome type 1; Marfan syndrome, classic; Marfan's syndrome; FBN1-Related Marfan Syndrome; MARFAN SYNDROME, TYPE I. Identifiers: Orphanet 284963, Orphanet 558, MedGen C0024796, MONDO:0007947, OMIM 154700.
Familial thoracic aortic aneurysm and aortic dissection (TAAD). Also called: Thoracic aortic aneurysms and dissections. Identifiers: Orphanet 91387, MedGen C4707243, MONDO:0019625.

Submissions (2):

Labcorp Genetics (formerly Invitae), Labcorp
Classification: Pathogenic for Marfan syndrome; Familial thoracic aortic aneurysm and aortic dissection. Last evaluated: 2022-11-15. Review status: criteria provided, single submitter. Criteria: Invitae Variant Classification Sherloc (09022015). Collection method: clinical testing. Allele origin: germline.
Comment: For these reasons, this variant has been classified as Pathogenic. Advanced modeling of protein sequence and biophysical properties (such as structural, functional, and spatial information, amino acid conservation, physicochemical variation, residue mobility, and thermodynamic stability) performed at Invitae indicates that this missense variant is expected to disrupt FBN1 protein function. ClinVar contains an entry for this variant (Variation ID: 527174). This missense change has been observed in individual(s) with clinical features of FBN1-related conditions (Invitae). In at least one individual the variant was observed to be de novo. This variant is not present in population databases (gnomAD no frequency). This sequence change replaces glycine, which is neutral and non-polar, with aspartic acid, which is acidic and polar, at codon 234 of the FBN1 protein (p.Gly234Asp).

Center for Medical Genetics Ghent, University of Ghent
Classification: Uncertain significance for Marfan syndrome. Last evaluated: 2017-11-07. Review status: no assertion criteria provided. Collection method: clinical testing. Allele origin: germline. Affected: yes. Not counted in ClinVar's aggregate classification.